The following is an entry in ClinVar:

NM_000506.5(F2):c.772G>A (p.Val258Met)

Gene: F2 (coagulation factor II, thrombin; plus strand). Cytogenetic location: 11p11.2.
Variant type: single nucleotide variant.
Coding change: c.772G>A on transcript NM_000506.5 (MANE Select); coding-DNA position 772, G replaced by A.
Protein change: p.Val258Met; replaces valine 258 with methionine.
Molecular consequence: missense variant.
Genome position (GRCh38, 1-based): chr11:46,726,071, G>A. VCF-style: chr11-46726071-G-A. GRCh37 (hg19) VCF-style: chr11-46747621-G-A.
Other names: short protein forms V258M.
Identifiers: ClinVar variation 3276956 (VCV003276956.2).

ClinVar aggregate classification (germline): Uncertain significance. Review status: criteria provided, multiple submitters, no conflicts (2 of 4 stars). 2 submissions from 2 submitters: Uncertain significance (2). Last evaluated 2025-02-11.

Conditions:
Congenital prothrombin deficiency. Also called: Factor II deficiency; HYPOPROTHROMBINEMIA; Hereditary factor II deficiency disease; Inherited hypoprothrombinemia; Congenital factor II deficiency; Inherited prothrombin deficiency. Identifiers: Orphanet 325, MedGen C0272317, MONDO:0013361, OMIM 613679.
Inborn genetic diseases. Identifiers: MedGen C0950123, MeSH D030342.

gnomAD v4.1: 1 of 1,614,216 alleles (0.000062%); highest among the groups gnomAD compares: African/African-American, 0.0013%; no homozygotes.

Submissions (2):

Labcorp Genetics (formerly Invitae), Labcorp
Classification: Uncertain significance for Congenital prothrombin deficiency. Last evaluated: 2025-02-11. Review status: criteria provided, single submitter. Criteria: Invitae Variant Classification Sherloc (09022015). Collection method: clinical testing. Allele origin: germline.
Comment: This sequence change replaces valine, which is neutral and non-polar, with methionine, which is neutral and non-polar, at codon 258 of the F2 protein (p.Val258Met). The frequency data for this variant in the population databases is considered unreliable, as metrics indicate poor data quality at this position in the gnomAD database. This variant has not been reported in the literature in individuals affected with F2-related conditions. ClinVar contains an entry for this variant (Variation ID: 3276956). Invitae Evidence Modeling of protein sequence and biophysical properties (such as structural, functional, and spatial information, amino acid conservation, physicochemical variation, residue mobility, and thermodynamic stability) indicates that this missense variant is not expected to disrupt F2 protein function with a negative predictive value of 80%. In summary, the available evidence is currently insufficient to determine the role of this variant in disease. Therefore, it has been classified as a Variant of Uncertain Significance.

Ambry Genetics
Classification: Uncertain significance for Inborn genetic diseases. Last evaluated: 2024-06-17. Review status: criteria provided, single submitter. Criteria: Ambry Variant Classification Scheme 2023. Collection method: clinical testing. Allele origin: germline.